The following is an entry in ClinVar:

ClinVar aggregate classification (germline): Uncertain significance. Review status: criteria provided, multiple submitters, no conflicts (2 of 4 stars). 4 submissions from 4 submitters: Uncertain significance (4). Last evaluated 2025-12-30.

Conditions:
Hereditary cancer-predisposing syndrome. Also called: Neoplastic Syndromes, Hereditary; Hereditary neoplastic syndrome; Tumor predisposition; Hereditary Cancer Syndrome. Identifiers: Orphanet 140162, MedGen C0027672, MeSH D009386, MONDO:0015356.
Fanconi anemia complementation group J. Also called: BRIP1-Related Fanconi Anemia. Identifiers: Orphanet 84, MedGen C1836860, MONDO:0012187, OMIM 609054.
Familial cancer of breast. Also called: Hereditary breast cancer; BREAST CANCER, FAMILIAL; hereditary breast carcinoma. Identifiers: Orphanet 227535, MedGen C0346153, MONDO:0016419, OMIM 114480. Disease mechanism: loss of function.

Allele frequency attached by ClinVar (database versions not stated): ExAC 0.00001; gnomAD 0.00001; gnomAD exomes 0.00001; TOPMed 0.00002.
gnomAD v4.1: 3 of 1,610,566 alleles (0.00019%); highest among the groups gnomAD compares: East Asian, 0.0067%; no homozygotes.

Submissions (4):

Labcorp Genetics (formerly Invitae), Labcorp
Classification: Uncertain significance for Familial cancer of breast; Fanconi anemia complementation group J. Last evaluated: 2025-12-30. Review status: criteria provided, single submitter. Criteria: Invitae Variant Classification Sherloc (09022015). Collection method: clinical testing. Allele origin: germline.
Comment: This sequence change replaces glutamic acid, which is acidic and polar, with valine, which is neutral and non-polar, at codon 454 of the BRIP1 protein (p.Glu454Val). This variant is present in population databases (rs769918040, gnomAD 0.006%). This variant has not been reported in the literature in individuals affected with BRIP1-related conditions. ClinVar contains an entry for this variant (Variation ID: 627690). Invitae Evidence Modeling of protein sequence and biophysical properties (such as structural, functional, and spatial information, amino acid conservation, physicochemical variation, residue mobility, and thermodynamic stability) indicates that this missense variant is not expected to disrupt BRIP1 protein function with a negative predictive value of 95%. In summary, the available evidence is currently insufficient to determine the role of this variant in disease. Therefore, it has been classified as a Variant of Uncertain Significance.

Ambry Genetics
Classification: Uncertain significance for Hereditary cancer-predisposing syndrome. Last evaluated: 2025-12-16. Review status: criteria provided, single submitter. Criteria: Ambry Variant Classification Scheme 2023. Collection method: clinical testing. Allele origin: germline.
Comment: The p.E454V variant (also known as c.1361A>T), located in coding exon 9 of the BRIP1 gene, results from an A to T substitution at nucleotide position 1361. The glutamic acid at codon 454 is replaced by valine, an amino acid with dissimilar properties. This amino acid position is not well conserved in available vertebrate species. In addition, this alteration is predicted to be tolerated by in silico analysis. Based on the available evidence, the clinical significance of this variant remains unclear.

Color Diagnostics, LLC DBA Color Health
Classification: Uncertain significance for Hereditary cancer-predisposing syndrome. Last evaluated: 2024-03-06. Review status: criteria provided, single submitter. Criteria: ACMG Guidelines, 2015. Collection method: clinical testing. Allele origin: germline.
Comment: This missense variant replaces glutamic acid with valine at codon 454 of the BRIP1 protein. Computational prediction suggests that this variant may not impact protein structure and function (internally defined REVEL score threshold <= 0.5, PMID: 27666373). To our knowledge, functional studies have not been reported for this variant. This variant has not been reported in individuals affected with BRIP1-related disorders in the literature. This variant has been identified in 2/248008 chromosomes in the general population by the Genome Aggregation Database (gnomAD). The available evidence is insufficient to determine the role of this variant in disease conclusively. Therefore, this variant is classified as a Variant of Uncertain Significance.

GeneDx
Classification: Uncertain significance. Last evaluated: 2019-04-15. Review status: criteria provided, single submitter. Criteria: GeneDx Variant Classification Process June 2021. Collection method: clinical testing. Allele origin: germline. Affected: yes.
Comment: Not observed at a significant frequency in large population cohorts (Lek et al., 2016); This variant is associated with the following publications: (PMID: 30455982)

NM_032043.3(BRIP1):c.1361A>T (p.Glu454Val)

Gene: BRIP1 (BRCA1 interacting DNA helicase 1; minus strand). Cytogenetic location: 17q23.2.
Variant type: single nucleotide variant.
Coding change: c.1361A>T on transcript NM_032043.3 (MANE Select); coding-DNA position 1361, A replaced by T.
Protein change: p.Glu454Val; replaces glutamic acid 454 with valine.
Molecular consequence: missense variant.
Genome position (GRCh38, 1-based): chr17:61,793,709, T>A on the plus strand (A>T on the coding strand, the complement: BRIP1 is on the minus strand). VCF-style: chr17-61793709-T-A. GRCh37 (hg19) VCF-style: chr17-59871070-T-A.
Other names: short protein forms E454V.
Identifiers: ClinVar variation 627690 (VCV000627690.19), dbSNP rs769918040, ClinGen allele CA8690751.
Genomic context (GRCh38, chr17:61,793,709, plus strand): 5'-AGCATTTCATTTCCACTCCATATTTTACAAGCTGATTCATAATCTCTTTCTACAAGATAT[T>A]CAGCGTTTGCTTCTAACCAACTGAAATAAAATAAAACAATTGTGTCAACCAGTATCATCC-3'
Protein context (NP_114432.2, residues 444-464): SLINWLEANA[Glu454Val]YLVERDYESA